The following is an entry in ClinVar:

ClinVar aggregate classification (germline): Uncertain significance (1 of 4 stars; one submission).

Submission:

Labcorp Genetics (formerly Invitae), Labcorp
Classification: Uncertain significance. Last evaluated: 2025-01-27. Review status: criteria provided, single submitter. Criteria: Invitae Variant Classification Sherloc (09022015). Collection method: clinical testing. Allele origin: germline.
Comment: This sequence change replaces valine, which is neutral and non-polar, with phenylalanine, which is neutral and non-polar, at codon 16 of the COL10A1 protein (p.Val16Phe). This variant is not present in population databases (gnomAD no frequency). This missense change has been observed in individual(s) with clinical features of metaphyseal chondrodysplasia, Schmid type (MCDS) (internal data). ClinVar contains an entry for this variant (Variation ID: 1502996). Invitae Evidence Modeling of protein sequence and biophysical properties (such as structural, functional, and spatial information, amino acid conservation, physicochemical variation, residue mobility, and thermodynamic stability) has been performed for this missense variant. However, the output from this modeling did not meet the statistical confidence thresholds required to predict the impact of this variant on COL10A1 protein function. In summary, the available evidence is currently insufficient to determine the role of this variant in disease. Therefore, it has been classified as a Variant of Uncertain Significance.

NM_000493.4(COL10A1):c.46G>T (p.Val16Phe)

Genes: COL10A1 (collagen type X alpha 1 chain; minus strand), NT5DC1 (5'-nucleotidase domain containing 1; plus strand). Cytogenetic location: 6q22.1.
Variant type: single nucleotide variant.
Coding change: c.46G>T on transcript NM_000493.4 (MANE Select); coding-DNA position 46, G replaced by T.
Protein change: p.Val16Phe; replaces valine 16 with phenylalanine.
Molecular consequence: missense variant. On other transcripts: intron variant (1).
Genome position (GRCh38, 1-based): chr6:116,125,447, C>A on the plus strand (G>T on the coding strand, the complement: COL10A1 is on the minus strand). VCF-style: chr6-116125447-C-A. GRCh37 (hg19) VCF-style: chr6-116446610-C-A.
Other names: c.46G>T, p.Val16Phe (NM_001424106.1, NM_001424107.1); c.529+7502C>A (NM_152729.3); short protein forms V16F.
Identifiers: ClinVar variation 1502996 (VCV001502996.8), dbSNP rs2114308629, ClinGen allele CA365398599.
Genomic context (GRCh38, chr6:116,125,447, plus strand): 5'-GTAGTGGGCCTTTTATGCCTGTGGGCATTTGGTATCGTTCAGCGTAAAACACTCCATGAA[C>A]CAAGTTCAAGGATACTAGCAGCAAAAAGGGTATTTGTGGCAGCATATTCTCAGATGGATT-3'
Protein context (NP_000484.2, residues 6-26): PFLLLVSLNL[Val16Phe]HGVFYAERYQ